The following is an entry in ClinVar:

NM_000038.6(APC):c.4293G>A (p.Met1431Ile)

Gene: APC (APC regulator of Wnt signaling pathway; plus strand). Cytogenetic location: 5q22.2.
Variant type: single nucleotide variant.
Coding change: c.4293G>A on transcript NM_000038.6 (MANE Select); coding-DNA position 4293, G replaced by A.
Protein change: p.Met1431Ile; replaces methionine 1431 with isoleucine.
Molecular consequence: missense variant.
Genome position (GRCh38, 1-based): chr5:112,839,887, G>A. VCF-style: chr5-112839887-G-A. GRCh37 (hg19) VCF-style: chr5-112175584-G-A.
Other names: c.4293G>A, p.Met1431Ile (NM_001127510.3, NM_001354895.2); c.4239G>A, p.Met1413Ile (NM_001127511.3); c.4347G>A, p.Met1449Ile (NM_001354896.2); c.4323G>A, p.Met1441Ile (NM_001354897.2); c.4218G>A, p.Met1406Ile (NM_001354898.2); c.4209G>A, p.Met1403Ile (NM_001354899.2); c.4170G>A, p.Met1390Ile (NM_001354900.2); c.4116G>A, p.Met1372Ile (NM_001354901.2); and 5 more; short protein forms M1403I, M1271I, M1305I, M1390I, M1406I, M1413I, M1431I, M1148I.
Identifiers: ClinVar variation 959184 (VCV000959184.12), dbSNP rs1406336600, ClinGen allele CA16030738.

ClinVar aggregate classification (germline): Uncertain significance. Review status: criteria provided, multiple submitters, no conflicts (2 of 4 stars). 2 submissions from 2 submitters: Uncertain significance (2). Last evaluated 2026-01-11.

Conditions:
Hereditary cancer-predisposing syndrome. Also called: Tumor predisposition; Hereditary neoplastic syndrome; Hereditary Cancer Syndrome; Neoplastic Syndromes, Hereditary. Identifiers: Orphanet 140162, MedGen C0027672, MeSH D009386, MONDO:0015356.
Familial adenomatous polyposis 1 (FAP1). Also called: FAMILIAL ADENOMATOUS POLYPOSIS 1, ATTENUATED; POLYPOSIS, ADENOMATOUS INTESTINAL. Identifiers: MedGen C2713442, MONDO:0021056, OMIM 175100. Disease mechanism: loss of function.

Submissions (2):

Ambry Genetics
Classification: Uncertain significance for Hereditary cancer-predisposing syndrome. Last evaluated: 2026-01-11. Review status: criteria provided, single submitter. Criteria: Ambry Variant Classification Scheme 2023. Collection method: clinical testing. Allele origin: germline.
Comment: The p.M1431I variant (also known as c.4293G>A), located in coding exon 15 of the APC gene, results from a G to A substitution at nucleotide position 4293. The methionine at codon 1431 is replaced by isoleucine, an amino acid with highly similar properties. This amino acid position is conserved. In addition, in silico predictors for this gene do not accurately predict pathogenicity. Based on the available evidence, the clinical significance of this variant remains unclear.

Labcorp Genetics (formerly Invitae), Labcorp
Classification: Uncertain significance for Familial adenomatous polyposis 1. Last evaluated: 2023-01-20. Review status: criteria provided, single submitter. Criteria: Invitae Variant Classification Sherloc (09022015). Collection method: clinical testing. Allele origin: germline.
Comment: This variant has not been reported in the literature in individuals affected with APC-related conditions. ClinVar contains an entry for this variant (Variation ID: 959184). Advanced modeling of protein sequence and biophysical properties (such as structural, functional, and spatial information, amino acid conservation, physicochemical variation, residue mobility, and thermodynamic stability) performed at Invitae indicates that this missense variant is not expected to disrupt APC protein function. In summary, the available evidence is currently insufficient to determine the role of this variant in disease. Therefore, it has been classified as a Variant of Uncertain Significance. This variant is present in population databases (no rsID available, gnomAD 0.0009%). This sequence change replaces methionine, which is neutral and non-polar, with isoleucine, which is neutral and non-polar, at codon 1431 of the APC protein (p.Met1431Ile).